The following is an entry in ClinVar:

ClinVar aggregate classification (germline): Conflicting classifications of pathogenicity. Review status: criteria provided, conflicting classifications (1 of 4 stars). 8 submissions from 8 submitters: Uncertain significance (5); Likely benign (2). 1 of the submissions does not count toward it. Last evaluated 2026-08-28.

Conditions:
Cardiovascular phenotype. Identifiers: MedGen CN230736.
Alstrom syndrome (ALMS). Identifiers: Orphanet 64, MedGen C0268425, MONDO:0008763, OMIM 203800.

Allele frequency attached by ClinVar (database versions not stated): gnomAD 0.00022; TOPMed 0.00037; ESP Exome Variant Server 0.00042.
gnomAD v4.1: 73 of 1,611,808 alleles (0.0045%); highest among the groups gnomAD compares: African/African-American, 0.088%; no homozygotes.

Submissions (8):

GeneDx
Classification: Uncertain significance. Last evaluated: 2026-08-28. Review status: criteria provided, single submitter. Criteria: GeneDx Variant Classification Process June 2021. Collection method: clinical testing. Allele origin: germline.
Comment: In silico analysis supports that this missense variant does not alter protein structure/function; Has not been previously published as pathogenic or benign to our knowledge

Labcorp Genetics (formerly Invitae), Labcorp
Classification: Uncertain significance for Alstrom syndrome. Last evaluated: 2022-08-23. Review status: criteria provided, single submitter. Criteria: Invitae Variant Classification Sherloc (09022015). Collection method: clinical testing. Allele origin: germline.
Comment: This sequence change replaces glycine, which is neutral and non-polar, with aspartic acid, which is acidic and polar, at codon 485 of the ALMS1 protein (p.Gly485Asp). This variant is present in population databases (rs374663067, gnomAD 0.1%). This variant has not been reported in the literature in individuals affected with ALMS1-related conditions. ClinVar contains an entry for this variant (Variation ID: 449942). Algorithms developed to predict the effect of missense changes on protein structure and function output the following: SIFT: "Not Available"; PolyPhen-2: "Not Available"; Align-GVGD: "Not Available". The aspartic acid amino acid residue is found in multiple mammalian species, which suggests that this missense change does not adversely affect protein function. In summary, the available evidence is currently insufficient to determine the role of this variant in disease. Therefore, it has been classified as a Variant of Uncertain Significance.

Blueprint Genetics
Classification: Likely benign. Last evaluated: 2022-06-22. Review status: criteria provided, single submitter. Criteria: ACMG Guidelines, 2015. Collection method: clinical testing. Allele origin: germline.

Ambry Genetics
Classification: Likely benign for Cardiovascular phenotype. Last evaluated: 2022-02-25. Review status: criteria provided, single submitter. Criteria: Ambry Variant Classification Scheme 2023. Collection method: clinical testing. Allele origin: germline.

Fulgent Genetics
Classification: Uncertain significance for Alstrom syndrome. Last evaluated: 2022-01-10. Review status: criteria provided, single submitter. Criteria: ACMG Guidelines, 2015. Collection method: clinical testing. Allele origin: unknown.

Genetic Services Laboratory, University of Chicago
Classification: Uncertain significance. Last evaluated: 2018-10-25. Review status: criteria provided, single submitter. Criteria: ACMG Guidelines, 2015. Collection method: clinical testing. Allele origin: germline. Affected: no.

Women's Health and Genetics/Laboratory Corporation of America, LabCorp
Classification: Uncertain significance. Last evaluated: 2017-02-06. Review status: criteria provided, single submitter. Criteria: LabCorp Variant Classification Summary - May 2015. Collection method: clinical testing. Allele origin: germline.
Comment: Variant summary: The ALMS1 c.1451G>A (p.Gly484Asp alternative name c.1454G>A) variant involves the alteration of a non-conserved nucleotide and is predicted to be benign by 2/4 in silico tools (SNPs&GO not captured due to low reliability index). This variant was found in 14/120270 control chromosomes from ExAC, predominantly observed in the African subpopulation at a frequency of 0.001327 (13/9798). This frequency is slightly lower than the estimated maximal expected allele frequency of a pathogenic ALMS1 variant (0.0022361). No homozygotes have been reported in ExAC. It may be a rare polymorphism in African population, however no other supporting evidences are present at this time. The variant of interest has not, to our knowledge, been reported in affected individuals via publications and/or reputable databases/clinical diagnostic laboratories, nor evaluated for functional impact by in vivo/vitro studies. Because of the absence of sufficient clinical information and the lack of functional studies, the variant is classified as a variant of uncertain significance (VUS) until additional information becomes available.

Natera, Inc.
Classification: Uncertain significance for Alstrom syndrome. Last evaluated: 2021-05-16. Review status: no assertion criteria provided. Collection method: clinical testing. Allele origin: germline. Not counted in ClinVar's aggregate classification.

NM_001378454.1(ALMS1):c.1451G>A (p.Gly484Asp)

Gene: ALMS1 (ALMS1 centrosome and basal body associated protein; plus strand). Cytogenetic location: 2p13.1.
Variant type: single nucleotide variant.
Coding change: c.1451G>A on transcript NM_001378454.1 (MANE Select); coding-DNA position 1451, G replaced by A.
Protein change: p.Gly484Asp; replaces glycine 484 with aspartic acid.
Molecular consequence: missense variant.
Genome position (GRCh38, 1-based): chr2:73,447,978, G>A. VCF-style: chr2-73447978-G-A. GRCh37 (hg19) VCF-style: chr2-73675108-G-A.
Other names: c.1454G>A, p.Gly485Asp (NM_015120.4); short protein forms G485D, G484D.
Identifiers: ClinVar variation 449942 (VCV000449942.23), dbSNP rs374663067, ClinGen allele CA1713175.